The following is an entry in ClinVar:

NM_012452.3(TNFRSF13B):c.446-3C>A

Gene: TNFRSF13B (TNF receptor superfamily member 13B; minus strand). Cytogenetic location: 17p11.2.
Variant type: single nucleotide variant.
Coding change: c.446-3C>A on transcript NM_012452.3 (MANE Select); 3 bases into the intron before coding-DNA position 446, C replaced by A.
Molecular consequence: intron variant.
Genome position (GRCh38, 1-based): chr17:16,940,514, G>T on the plus strand (C>A on the coding strand, the complement: TNFRSF13B is on the minus strand). VCF-style: chr17-16940514-G-T. GRCh37 (hg19) VCF-style: chr17-16843828-G-T.
Identifiers: ClinVar variation 2505343 (VCV002505343.2), dbSNP rs2087502661, ClinGen allele CA981908469.

ClinVar aggregate classification (germline): Uncertain significance. Review status: criteria provided, multiple submitters, no conflicts (2 of 4 stars). 2 submissions from 2 submitters: Uncertain significance (2). Last evaluated 2024-10-23.

Conditions:
Immunodeficiency, common variable, 2 (CVID2). Also called: ANTIBODY DEFICIENCY DUE TO TACI DEFECT; HYPOGAMMAGLOBULINEMIA DUE TO TACI DEFICIENCY. Identifiers: Orphanet 1572, MedGen C3150354, MONDO:0009413, OMIM 240500.

Allele frequency attached by ClinVar (database versions not stated): TOPMed below 0.00001; gnomAD 0.00001.
gnomAD v4.1: 11 of 1,612,738 alleles (0.00068%); highest among the groups gnomAD compares: Non-Finnish European, 0.00093%; no homozygotes.

Submissions (2):

Blueprint Genetics
Classification: Uncertain significance. Last evaluated: 2024-10-23. Review status: criteria provided, single submitter. Criteria: ACMG Guidelines, 2015. Collection method: clinical testing. Allele origin: germline.

Department of Human Genetics, Hannover Medical School
Classification: Uncertain significance for Immunodeficiency, common variable, 2. Last evaluated: 2023-06-15. Review status: criteria provided, single submitter. Criteria: ACMG Guidelines, 2015. Collection method: clinical testing. Allele origin: germline. Affected: yes.
Comment: This alteration is located in the acceptor splice site region and the selected mRNA splicing prediction programs uniformly indicate aberrant splicing due to attenuation/loss of the natural splice site. The variant has not been reported in the LOVD shared and ClinVar databases or in the literature. In the normal population the variant has not been detected so far (population database gnomAD). A conclusive evaluation of this variant is currently not possible based on the available data.